The following is an entry in ClinVar:

ClinVar aggregate classification (germline): Uncertain significance. Review status: criteria provided, multiple submitters, no conflicts (2 of 4 stars). 3 submissions from 3 submitters: Uncertain significance (3). Last evaluated 2023-07-17.

Conditions:
Inborn genetic diseases. Identifiers: MedGen C0950123, MeSH D030342.
Cortical dysplasia-focal epilepsy syndrome (PTHSL1). Also called: Pitt-Hopkins-like syndrome 1. Identifiers: Orphanet 163681, Orphanet 221150, MedGen C2750246, MONDO:0012400, OMIM 610042.

Allele frequency attached by ClinVar (database versions not stated): TOPMed below 0.00001; gnomAD 0.00001; gnomAD exomes 0.00001 and 0.00006.
gnomAD v4.1: 80 of 1,613,246 alleles (0.005%); highest among the groups gnomAD compares: Non-Finnish European, 0.0068%; no homozygotes.

Submissions (3):

Ambry Genetics
Classification: Uncertain significance for Inborn genetic diseases. Last evaluated: 2023-07-17. Review status: criteria provided, single submitter. Criteria: Ambry Variant Classification Scheme 2023. Collection method: clinical testing. Allele origin: germline.

Labcorp Genetics (formerly Invitae), Labcorp
Classification: Uncertain significance for Cortical dysplasia-focal epilepsy syndrome. Last evaluated: 2021-08-20. Review status: criteria provided, single submitter. Criteria: Invitae Variant Classification Sherloc (09022015). Collection method: clinical testing. Allele origin: germline.
Comment: This sequence change replaces valine with isoleucine at codon 246 of the CNTNAP2 protein (p.Val246Ile). The valine residue is weakly conserved and there is a small physicochemical difference between valine and isoleucine. This variant is not present in population databases (ExAC no frequency). This variant has not been reported in the literature in individuals affected with CNTNAP2-related conditions. Algorithms developed to predict the effect of missense changes on protein structure and function (SIFT, PolyPhen-2, Align-GVGD) all suggest that this variant is likely to be tolerated. In summary, the available evidence is currently insufficient to determine the role of this variant in disease. Therefore, it has been classified as a Variant of Uncertain Significance.

Breakthrough Genomics
Classification: Uncertain significance. Review status: criteria provided, single submitter. Criteria: ACMG Guidelines, 2015. Collection method: not provided. Allele origin: germline. Inheritance: Autosomal recessive inheritance. Affected: yes.

NM_014141.6(CNTNAP2):c.736G>A (p.Val246Ile)

Gene: CNTNAP2 (contactin associated protein 2; plus strand). Cytogenetic location: 7q35.
Variant type: single nucleotide variant.
Coding change: c.736G>A on transcript NM_014141.6 (MANE Select); coding-DNA position 736, G replaced by A.
Protein change: p.Val246Ile; replaces valine 246 with isoleucine.
Molecular consequence: missense variant.
Genome position (GRCh38, 1-based): chr7:147,108,332, G>A. VCF-style: chr7-147108332-G-A. GRCh37 (hg19) VCF-style: chr7-146805424-G-A.
Other names: short protein forms V246I.
Identifiers: ClinVar variation 953897 (VCV000953897.10), dbSNP rs933650648, ClinGen allele CA168687887.